The following is an entry in ClinVar:

NM_032409.3(PINK1):c.582A>G (p.Arg194=)

Gene: PINK1 (PTEN induced kinase 1; plus strand). Cytogenetic location: 1p36.12.
Variant type: single nucleotide variant.
Coding change: c.582A>G on transcript NM_032409.3 (MANE Select); coding-DNA position 582, A replaced by G.
Protein change: p.Arg194=; no amino-acid change (arginine 194 retained).
Molecular consequence: synonymous variant.
Genome position (GRCh38, 1-based): chr1:20,638,036, A>G. VCF-style: chr1-20638036-A-G. GRCh37 (hg19) VCF-style: chr1-20964529-A-G.
Identifiers: ClinVar variation 4681960 (VCV004681960.5).

ClinVar aggregate classification (germline): Likely benign (1 of 4 stars; one submission).

Submission:

CeGaT Center for Human Genetics Tuebingen
Classification: Likely benign. Last evaluated: 2025-12-01. Review status: criteria provided, single submitter. Criteria: CeGaT Center For Human Genetics Tuebingen Variant Classification Criteria Version 2. Collection method: clinical testing. Allele origin: germline. Affected: yes. Observed: 1 variant allele.
Comment: PINK1: PM2:Supporting, BP4, BP7